The following is an entry in ClinVar:

NM_000388.4(CASR):c.1852del (p.Leu618fs)

Gene: CASR (calcium sensing receptor; plus strand). Cytogenetic location: 3q21.1.
Variant type: Deletion.
Coding change: c.1852del on transcript NM_000388.4 (MANE Select); coding-DNA position 1852, one base deleted (C; older notation c.1852delC).
Protein change: p.Leu618fs; shifts the reading frame from leucine 618.
Molecular consequence: frameshift variant.
Genome position (GRCh38, 1-based): chr3:122,283,806, C deleted; the last of 3 consecutive C bases (chr3:122,283,804-122,283,806); deleting any one gives the same sequence. VCF-style (leftmost placement, unchanged base first): chr3-122283803-AC-A. GRCh37 (hg19) VCF-style: chr3-122002650-AC-A.
Other names: c.1882del, p.Leu628fs (NM_001178065.2); short protein forms L618fs, L628fs.
Identifiers: ClinVar variation 1449397 (VCV001449397.8), dbSNP rs2107649518, ClinGen allele CA2573136450.

ClinVar aggregate classification (germline): Pathogenic (1 of 4 stars; one submission).

Conditions:
Autosomal dominant hypocalcemia 1 (HYPOC1). Also called: HYPOCALCEMIA, FAMILIAL. Identifiers: MedGen C3715128, MONDO:0011013, OMIM 601198.
Familial hypocalciuric hypercalcemia (FHH). Also called: Familial benign hypercalcemia. Identifiers: Orphanet 405, MedGen C1809471, MONDO:0018458.

Submission:

Labcorp Genetics (formerly Invitae), Labcorp
Classification: Pathogenic for Familial hypocalciuric hypercalcemia; Autosomal dominant hypocalcemia 1. Last evaluated: 2021-05-26. Review status: criteria provided, single submitter. Criteria: Invitae Variant Classification Sherloc (09022015). Collection method: clinical testing. Allele origin: germline.
Comment: For these reasons, this variant has been classified as Pathogenic. This variant disrupts the C-terminus of the CASR protein. Other variant(s) that disrupt this region (p.Trp718*) have been determined to be pathogenic (PMID: 18796518, 9395465). This suggests that variants that disrupt this region of the protein are likely to be causative of disease. This variant has not been reported in the literature in individuals with CASR-related conditions. This variant is not present in population databases (ExAC no frequency). This sequence change creates a premature translational stop signal (p.Leu618Serfs*9) in the CASR gene. While this is not anticipated to result in nonsense mediated decay, it is expected to disrupt the last 461 amino acid(s) of the CASR protein.

Literature cited by the submitters: PubMed 18796518; PubMed 9395465.